The following is an entry in ClinVar:

ClinVar aggregate classification (germline): Conflicting classifications of pathogenicity. Review status: criteria provided, conflicting classifications (1 of 4 stars). 5 submissions from 5 submitters: Uncertain significance (3); Likely benign (1). 1 of the submissions does not count toward it. Last evaluated 2026-08-06.

Conditions:
DNAH1-related disorder. Also called: DNAH1-related condition.
Spermatogenic failure 18. Identifiers: MedGen C4539783, MONDO:0054615, OMIM 617576.
Ciliary dyskinesia, primary, 37 (CILD37). Also called: CILIARY DYSKINESIA, PRIMARY, 37, WITH OR WITHOUT SITUS INVERSUS. Identifiers: MedGen C4539798, MONDO:0033204, OMIM 617577.

Allele frequency attached by ClinVar (database versions not stated): TOPMed 0.00061; 1000 Genomes Project 30x 0.00062; gnomAD 0.00076 and 0.00083; 1000 Genomes Project 0.00080; ESP Exome Variant Server 0.00087.
gnomAD v4.1: 217 of 1,607,026 alleles (0.014%); highest among the groups gnomAD compares: African/African-American, 0.27%; no homozygotes.

Submissions (5):

OLLIN Analises Genomicas, OLLIN
Classification: Uncertain significance for Spermatogenic failure 18. Last evaluated: 2026-08-06. Review status: criteria provided, single submitter. Criteria: ACMG Guidelines 2015 PMID 25741868. Collection method: clinical testing. Allele origin: germline.
Comment: This missense variant, located in exon 8 (of 78), has been reported in ClinVar (accession VCV000655289.4) and in gnomAD with an allele frequency of 0.014%. However, to our knowledge, it has not been reported in the scientific literature. In silico analysis predicts that this variant has a tolerated effect. According to the currently available evidence, this variant has been classified as uncertain significance (BP4_M).

Labcorp Genetics (formerly Invitae), Labcorp
Classification: Likely benign for Ciliary dyskinesia, primary, 37; Spermatogenic failure 18. Last evaluated: 2025-11-18. Review status: criteria provided, single submitter. Criteria: Invitae Variant Classification Sherloc (09022015). Collection method: clinical testing. Allele origin: germline.

GeneDx
Classification: Uncertain significance. Last evaluated: 2024-09-16. Review status: criteria provided, single submitter. Criteria: GeneDx Variant Classification Process June 2021. Collection method: clinical testing. Allele origin: germline. Affected: yes.
Comment: In silico analysis indicates that this missense variant does not alter protein structure/function; Has not been previously published as pathogenic or benign to our knowledge

CeGaT Center for Human Genetics Tuebingen
Classification: Uncertain significance. Last evaluated: 2023-12-01. Review status: criteria provided, single submitter. Criteria: CeGaT Center For Human Genetics Tuebingen Variant Classification Criteria Version 2. Collection method: clinical testing. Allele origin: germline. Affected: yes. Observed: 1 variant allele.
Comment: DNAH1: PM2

PreventionGenetics, part of Exact Sciences
Classification: Likely benign for DNAH1-related condition. Last evaluated: 2024-05-03. Review status: no assertion criteria provided. Collection method: clinical testing. Allele origin: germline. Not counted in ClinVar's aggregate classification.
Comment: This variant is classified as likely benign based on ACMG/AMP sequence variant interpretation guidelines (Richards et al. 2015 PMID: 25741868, with internal and published modifications).

NM_015512.5(DNAH1):c.1093G>T (p.Ala365Ser)

Gene: DNAH1 (dynein axonemal heavy chain 1; plus strand). Cytogenetic location: 3p21.1.
Variant type: single nucleotide variant.
Coding change: c.1093G>T on transcript NM_015512.5 (MANE Select); coding-DNA position 1093, G replaced by T.
Protein change: p.Ala365Ser; replaces alanine 365 with serine.
Molecular consequence: missense variant.
Genome position (GRCh38, 1-based): chr3:52,332,201, G>T. VCF-style: chr3-52332201-G-T. GRCh37 (hg19) VCF-style: chr3-52366217-G-T.
Other names: short protein forms A365S.
Identifiers: ClinVar variation 712758 (VCV000712758.32), dbSNP rs374001771, ClinGen allele CA2432869.